The following is an entry in ClinVar:

ClinVar aggregate classification (germline): Uncertain significance (1 of 4 stars; one submission).

Conditions:
ANKRD1-related dilated cardiomyopathy. Identifiers: MedGen CN119551.

Submission:

Labcorp Genetics (formerly Invitae), Labcorp
Classification: Uncertain significance for ANKRD1-related dilated cardiomyopathy. Last evaluated: 2024-02-24. Review status: criteria provided, single submitter. Criteria: Invitae Variant Classification Sherloc (09022015). Collection method: clinical testing. Allele origin: germline.
Comment: This sequence change replaces threonine, which is neutral and polar, with lysine, which is basic and polar, at codon 123 of the ANKRD1 protein (p.Thr123Lys). This variant is not present in population databases (gnomAD no frequency). This variant has not been reported in the literature in individuals affected with ANKRD1-related conditions. ClinVar contains an entry for this variant (Variation ID: 1352074). Advanced modeling of protein sequence and biophysical properties (such as structural, functional, and spatial information, amino acid conservation, physicochemical variation, residue mobility, and thermodynamic stability) performed at Invitae indicates that this missense variant is not expected to disrupt ANKRD1 protein function with a negative predictive value of 80%. In summary, the available evidence is currently insufficient to determine the role of this variant in disease. Therefore, it has been classified as a Variant of Uncertain Significance.

NM_014391.3(ANKRD1):c.368C>A (p.Thr123Lys)

Gene: ANKRD1 (ankyrin repeat domain 1; minus strand). Cytogenetic location: 10q23.31.
Variant type: single nucleotide variant.
Coding change: c.368C>A on transcript NM_014391.3 (MANE Select); coding-DNA position 368, C replaced by A.
Protein change: p.Thr123Lys; replaces threonine 123 with lysine.
Molecular consequence: missense variant.
Genome position (GRCh38, 1-based): chr10:90,918,950, G>T on the plus strand (C>A on the coding strand, the complement: ANKRD1 is on the minus strand). VCF-style: chr10-90918950-G-T. GRCh37 (hg19) VCF-style: chr10-92678707-G-T.
Other names: short protein forms T123K.
Identifiers: ClinVar variation 1352074 (VCV001352074.8), dbSNP rs145387010, ClinGen allele CA377552340.